The following is an entry in ClinVar:

NM_003072.5(SMARCA4):c.1140C>T (p.His380=)

Gene: SMARCA4 (SWI/SNF related BAF chromatin remodeling complex subunit ATPase 4; plus strand). Cytogenetic location: 19p13.2.
Variant type: single nucleotide variant.
Coding change: c.1140C>T on transcript NM_003072.5 (MANE Select); coding-DNA position 1140, C replaced by T.
Protein change: p.His380=; no amino-acid change (histidine 380 retained).
Molecular consequence: synonymous variant. On other transcripts: non-coding transcript variant (1).
Genome position (GRCh38, 1-based): chr19:10,989,338, C>T. VCF-style: chr19-10989338-C-T. GRCh37 (hg19) VCF-style: chr19-11100014-C-T.
Other names: c.1140C>T, p.His380= (NM_001128844.3, NM_001128845.2, NM_001128846.2 and 5 more transcripts).
Identifiers: ClinVar variation 212232 (VCV000212232.52), dbSNP rs114594206, ClinGen allele CA208580.

ClinVar aggregate classification (germline): Benign/Likely benign. Review status: criteria provided, multiple submitters, no conflicts (2 of 4 stars). 9 submissions from 9 submitters: Benign (7); Likely benign (2). Last evaluated 2026-07-09.

Conditions:
Intellectual disability, autosomal dominant 16 (CSS4). Also called: COFFIN-SIRIS SYNDROME 4. Identifiers: Orphanet 1465, MedGen C3553249, MONDO:0013821, OMIM 614609.
Rhabdoid tumor predisposition syndrome 2 (RTPS2). Identifiers: Orphanet 231108, Orphanet 69077, MedGen C2750074, MONDO:0013224, OMIM 613325.
Hereditary cancer-predisposing syndrome. Also called: Neoplastic Syndromes, Hereditary; Tumor predisposition; Hereditary Cancer Syndrome; Hereditary neoplastic syndrome. Identifiers: Orphanet 140162, MedGen C0027672, MeSH D009386, MONDO:0015356.

Allele frequency attached by ClinVar (database versions not stated): gnomAD 0.00345 and 0.00372; TOPMed 0.00377; gnomAD exomes 0.00032 and 0.00075; ESP Exome Variant Server 0.00354; ExAC 0.00112; 1000 Genomes Project 0.00379; 1000 Genomes Project 30x 0.00422.
gnomAD v4.1: 1,002 of 1,614,176 alleles (0.062%); highest among the groups gnomAD compares: African/African-American, 1.2%; 10 homozygotes.

Submissions (9):

Myriad Genetics, Inc.
Classification: Benign for Rhabdoid tumor predisposition syndrome 2. Last evaluated: 2026-07-09. Review status: criteria provided, single submitter. Criteria: Myriad Autosomal Dominant, Autosomal Recessive and X-Linked Classification Criteria (2023). Collection method: clinical testing. Allele origin: unknown.
Comment: This variant is considered benign. This variant is a silent/synonymous amino acid change and it is not expected to impact splicing.

CeGaT Center for Human Genetics Tuebingen
Classification: Likely benign. Last evaluated: 2026-03-01. Review status: criteria provided, single submitter. Criteria: CeGaT Center For Human Genetics Tuebingen Variant Classification Criteria Version 2. Collection method: clinical testing. Allele origin: germline. Affected: yes. Observed: 4 variant alleles.
Comment: SMARCA4: BP4, BP7, BS1

Labcorp Genetics (formerly Invitae), Labcorp
Classification: Benign for Rhabdoid tumor predisposition syndrome 2. Last evaluated: 2026-02-03. Review status: criteria provided, single submitter. Criteria: Invitae Variant Classification Sherloc (09022015). Collection method: clinical testing. Allele origin: germline.

Quest Diagnostics Nichols Institute San Juan Capistrano
Classification: Benign. Last evaluated: 2025-08-19. Review status: criteria provided, single submitter. Criteria: Quest Diagnostics criteria. Collection method: clinical testing. Allele origin: unknown.

Blueprint Genetics
Classification: Likely benign. Last evaluated: 2024-11-21. Review status: criteria provided, single submitter. Criteria: ACMG Guidelines, 2015. Collection method: clinical testing. Allele origin: germline.

Genome-Nilou Lab
Classification: Benign for Intellectual disability, autosomal dominant 16. Last evaluated: 2021-07-15. Review status: criteria provided, single submitter. Criteria: ACMG Guidelines, 2015. Collection method: clinical testing. Allele origin: germline. Affected: no.

GeneDx
Classification: Benign. Last evaluated: 2019-03-29. Review status: criteria provided, single submitter. Criteria: GeneDx Variant Classification Process June 2021. Collection method: clinical testing. Allele origin: germline. Affected: yes.
Comment: This variant is associated with the following publications: (PMID: 22585170)

Genetic Services Laboratory, University of Chicago
Classification: Benign. Last evaluated: 2017-02-02. Review status: criteria provided, single submitter. Criteria: ACMG Guidelines, 2015. Collection method: clinical testing. Allele origin: germline. Affected: no.

Ambry Genetics
Classification: Benign for Hereditary cancer-predisposing syndrome. Last evaluated: 2015-05-20. Review status: criteria provided, single submitter. Criteria: Ambry Variant Classification Scheme 2023. Collection method: clinical testing. Allele origin: germline.